The following is an entry in ClinVar:

ClinVar aggregate classification (germline): Pathogenic (1 of 4 stars; one submission).

Conditions:
Birt-Hogg-Dube syndrome. Also called: Birt Hogg Dubé syndrome. Identifiers: Orphanet 122, MedGen C0346010, MONDO:0800444.

Submission:

Labcorp Genetics (formerly Invitae), Labcorp
Classification: Pathogenic for Birt-Hogg-Dube syndrome. Last evaluated: 2019-03-28. Review status: criteria provided, single submitter. Criteria: Invitae Variant Classification Sherloc (09022015). Collection method: clinical testing. Allele origin: germline.
Comment: This sequence change creates a premature translational stop signal (p.Ile175Glyfs*44) in the FLCN gene. It is expected to result in an absent or disrupted protein product. This variant is not present in population databases (ExAC no frequency). This variant has not been reported in the literature in individuals with FLCN-related conditions. Loss-of-function variants in FLCN are known to be pathogenic (PMID: 15852235). For these reasons, this variant has been classified as Pathogenic.

Literature cited by the submitters: PubMed 15852235.

NM_144997.7(FLCN):c.523_535del (p.Ile175fs)

Gene: FLCN (folliculin; minus strand). Cytogenetic location: 17p11.2.
Variant type: Deletion.
Coding change: c.523_535del on transcript NM_144997.7 (MANE Select); coding-DNA positions 523 to 535, 13 bases deleted (ATCATGATGGACC).
Protein change: p.Ile175fs; shifts the reading frame from isoleucine 175.
Molecular consequence: frameshift variant.
Genome position (GRCh38, 1-based): chr17:17,224,005-17,224,017, GGTCCATCATGAT deleted on the plus strand (ATCATGATGGACC on the coding strand, the reverse complement: FLCN is on the minus strand); deleting any 13 consecutive bases within chr17:17,224,005-17,224,020 gives the same sequence; the c. name uses the placement nearest the transcript's 3' end. VCF-style (leftmost placement, unchanged base first): chr17-17224004-CGGTCCATCATGAT-C. GRCh37 (hg19) VCF-style: chr17-17127318-CGGTCCATCATGAT-C.
Other names: c.577_589del, p.Ile193fs (NM_001353229.2); c.523_535del, p.Ile175fs (NM_001353230.2, NM_001353231.2, NM_144606.7); short protein forms I175fs, I193fs.
Identifiers: ClinVar variation 857729 (VCV000857729.7), dbSNP rs2047175695, ClinGen allele CA916081874.